The following is an entry in ClinVar:

NM_001377229.1(DISP1):c.56C>T (p.Ala19Val)

Gene: DISP1 (dispatched RND transporter family member 1; plus strand). Cytogenetic location: 1q41.
Variant type: single nucleotide variant.
Coding change: c.56C>T on transcript NM_001377229.1 (MANE Select); coding-DNA position 56, C replaced by T.
Protein change: p.Ala19Val; replaces alanine 19 with valine.
Molecular consequence: missense variant. On other transcripts: 5 prime UTR variant (1).
Genome position (GRCh38, 1-based): chr1:222,942,879, C>T. VCF-style: chr1-222942879-C-T. GRCh37 (hg19) VCF-style: chr1-223116221-C-T.
Other names: c.-832C>T (NM_001350630.2); c.56C>T, p.Ala19Val (NM_001369594.1, NM_001377228.1, NM_032890.5); short protein forms A19V.
Identifiers: ClinVar variation 1905823 (VCV001905823.5), dbSNP rs759111627, ClinGen allele CA344742012.

ClinVar aggregate classification (germline): Uncertain significance (1 of 4 stars; one submission).

Submission:

Labcorp Genetics (formerly Invitae), Labcorp
Classification: Uncertain significance. Last evaluated: 2023-12-11. Review status: criteria provided, single submitter. Criteria: Invitae Variant Classification Sherloc (09022015). Collection method: clinical testing. Allele origin: germline.
Comment: This sequence change replaces alanine, which is neutral and non-polar, with valine, which is neutral and non-polar, at codon 19 of the DISP1 protein (p.Ala19Val). This variant is not present in population databases (gnomAD no frequency). This missense change has been observed in individual(s) with holoprosencephaly (PMID: 19184110). ClinVar contains an entry for this variant (Variation ID: 1905823). An algorithm developed to predict the effect of missense changes on protein structure and function (PolyPhen-2) suggests that this variant is likely to be tolerated. In summary, the available evidence is currently insufficient to determine the role of this variant in disease. Therefore, it has been classified as a Variant of Uncertain Significance.

Literature cited by the submitters: PubMed 19184110.